The following is an entry in ClinVar:

NM_005477.3(HCN4):c.611C>T (p.Ala204Val)

Gene: HCN4 (hyperpolarization activated cyclic nucleotide gated potassium channel 4; minus strand). Cytogenetic location: 15q24.1.
Variant type: single nucleotide variant.
Coding change: c.611C>T on transcript NM_005477.3 (MANE Select); coding-DNA position 611, C replaced by T.
Protein change: p.Ala204Val; replaces alanine 204 with valine.
Molecular consequence: missense variant.
Genome position (GRCh38, 1-based): chr15:73,367,660, G>A on the plus strand (C>T on the coding strand, the complement: HCN4 is on the minus strand). VCF-style: chr15-73367660-G-A. GRCh37 (hg19) VCF-style: chr15-73660001-G-A.
Other names: short protein forms A204V.
Identifiers: ClinVar variation 3607776 (VCV003607776.3).

ClinVar aggregate classification (germline): Uncertain significance. Review status: criteria provided, multiple submitters, no conflicts (2 of 4 stars). 2 submissions from 2 submitters: Uncertain significance (2). Last evaluated 2024-11-07.

Conditions:
Brugada syndrome 8 (BRGDA8). Identifiers: Orphanet 130, MedGen C2751083, MONDO:0013148, OMIM 613123.

gnomAD v4.1: 4 of 1,608,230 alleles (0.00025%); highest among the groups gnomAD compares: Non-Finnish European, 0.00025%; no homozygotes.

Submissions (2):

Blueprint Genetics
Classification: Uncertain significance. Last evaluated: 2024-11-07. Review status: criteria provided, single submitter. Criteria: ACMG Guidelines, 2015. Collection method: clinical testing. Allele origin: germline.

Labcorp Genetics (formerly Invitae), Labcorp
Classification: Uncertain significance for Brugada syndrome 8. Last evaluated: 2024-10-30. Review status: criteria provided, single submitter. Criteria: Invitae Variant Classification Sherloc (09022015). Collection method: clinical testing. Allele origin: germline.
Comment: This sequence change replaces alanine, which is neutral and non-polar, with valine, which is neutral and non-polar, at codon 204 of the HCN4 protein (p.Ala204Val). This variant is not present in population databases (gnomAD no frequency). This variant has not been reported in the literature in individuals affected with HCN4-related conditions. Invitae Evidence Modeling of protein sequence and biophysical properties (such as structural, functional, and spatial information, amino acid conservation, physicochemical variation, residue mobility, and thermodynamic stability) indicates that this missense variant is not expected to disrupt HCN4 protein function with a negative predictive value of 95%. In summary, the available evidence is currently insufficient to determine the role of this variant in disease. Therefore, it has been classified as a Variant of Uncertain Significance.